The following is an entry in ClinVar:

NM_004380.3(CREBBP):c.4213G>A (p.Val1405Met)

Gene: CREBBP (CREB binding lysine acetyltransferase; minus strand). Cytogenetic location: 16p13.3.
Variant type: single nucleotide variant.
Coding change: c.4213G>A on transcript NM_004380.3 (MANE Select); coding-DNA position 4213, G replaced by A.
Protein change: p.Val1405Met; replaces valine 1405 with methionine.
Molecular consequence: missense variant.
Genome position (GRCh38, 1-based): chr16:3,739,645, C>T on the plus strand (G>A on the coding strand, the complement: CREBBP is on the minus strand). VCF-style: chr16-3739645-C-T. GRCh37 (hg19) VCF-style: chr16-3789646-C-T.
Other names: c.4099G>A, p.Val1367Met (NM_001079846.1); short protein forms V1405M, V1367M.
Identifiers: ClinVar variation 591239 (VCV000591239.5), dbSNP rs140133512, ClinGen allele CA276982518.
Genomic context (GRCh38, chr16:3,739,645, plus strand): 5'-TTGGAGGGGGGCAATCAGAGCCGTATTCTTGGACGTGCATTCCAAAAAAGCAGACATCCA[C>T]GCCGTCAATTTCCTCAAAAGCAAACAGAGCTTTGGTTCGATATGGGAAAGATTCAGACAT-3'
Protein context (NP_004371.2, residues 1395-1415): ALFAFEEIDG[Val1405Met]DVCFFGMHVQ

ClinVar aggregate classification (germline): Uncertain significance. Review status: criteria provided, multiple submitters, no conflicts (2 of 4 stars). 3 submissions from 3 submitters: Uncertain significance (2). 1 of the submissions does not count toward it. Last evaluated 2025-10-06.

Conditions:
Rubinstein-Taybi syndrome (RSTS). Identifiers: Orphanet 783, MedGen C0035934, MONDO:0019188.
Rubinstein-Taybi syndrome due to CREBBP mutations (RSTS1). Also called: BROAD THUMBS AND GREAT TOES, CHARACTERISTIC FACIES, AND IMPAIRED INTELLECTUAL DEVELOPMENT; RUBINSTEIN SYNDROME; CREBBP-Related Rubinstein-Taybi Syndrome; RUBINSTEIN-TAYBI SYNDROME 1, INCOMPLETE; BROAD THUMB-HALLUX SYNDROME; Rubinstein-Taybi syndrome 1. Identifiers: Orphanet 353277, Orphanet 783, MedGen C4551859, MONDO:0008393, OMIM 180849.

Allele frequency attached by ClinVar (database versions not stated): gnomAD exomes below 0.00001; TOPMed 0.00002; gnomAD 0.00003; ESP Exome Variant Server 0.00008.
gnomAD v4.1: 8 of 1,614,082 alleles (0.0005%); highest among the groups gnomAD compares: East Asian, 0.0022%; no homozygotes.

Submissions (3):

Clinical Genetics Laboratory, University Hospital Schleswig-Holstein
Classification: Uncertain significance for Rubinstein-Taybi syndrome due to CREBBP mutations. Last evaluated: 2025-10-06. Review status: criteria provided, single submitter. Criteria: ACMG Guidelines, 2015. Collection method: clinical testing. Allele origin: maternal. Affected: yes. Observed: 1 heterozygote.
Comment: ACMG criteria applied: PM2, PP3, PP2, PP4, BS4_Supporting

Labcorp Genetics (formerly Invitae), Labcorp
Classification: Uncertain significance for Rubinstein-Taybi syndrome. Last evaluated: 2024-11-19. Review status: criteria provided, single submitter. Criteria: Invitae Variant Classification Sherloc (09022015). Collection method: clinical testing. Allele origin: germline.
Comment: This sequence change replaces valine, which is neutral and non-polar, with methionine, which is neutral and non-polar, at codon 1405 of the CREBBP protein (p.Val1405Met). This variant is present in population databases (rs140133512, gnomAD 0.007%). This variant has not been reported in the literature in individuals affected with CREBBP-related conditions. ClinVar contains an entry for this variant (Variation ID: 591239). Invitae Evidence Modeling of protein sequence and biophysical properties (such as structural, functional, and spatial information, amino acid conservation, physicochemical variation, residue mobility, and thermodynamic stability) indicates that this missense variant is expected to disrupt CREBBP protein function with a positive predictive value of 80%. In summary, the available evidence is currently insufficient to determine the role of this variant in disease. Therefore, it has been classified as a Variant of Uncertain Significance.

Gharavi Laboratory, Columbia University
Classification: Uncertain significance. Last evaluated: 2018-09-16. Review status: no assertion criteria provided. Criteria: ACMG Guidelines, 2015. Collection method: research. Allele origin: germline. Affected: yes. Not counted in ClinVar's aggregate classification.